The following is an entry in ClinVar:

NM_020779.4(WDR35):c.1478G>A (p.Arg493Lys)

Gene: WDR35 (WD repeat domain 35; minus strand). Cytogenetic location: 2p24.1.
Variant type: single nucleotide variant.
Coding change: c.1478G>A on transcript NM_020779.4 (MANE Select); coding-DNA position 1478, G replaced by A.
Protein change: p.Arg493Lys; replaces arginine 493 with lysine.
Molecular consequence: missense variant.
Genome position (GRCh38, 1-based): chr2:19,948,210, C>T on the plus strand (G>A on the coding strand, the complement: WDR35 is on the minus strand). VCF-style: chr2-19948210-C-T. GRCh37 (hg19) VCF-style: chr2-20147971-C-T.
Other names: p.Arg504Lys; c.1511G>A, p.Arg504Lys (NM_001006657.2); short protein forms R493K, R504K.
Identifiers: ClinVar variation 3980946 (VCV003980946.2).

ClinVar aggregate classification (germline): Uncertain significance. Review status: criteria provided, multiple submitters, no conflicts (2 of 4 stars). 2 submissions from 2 submitters: Uncertain significance (2). Last evaluated 2025-11-28.

Conditions:
Inborn genetic diseases. Identifiers: MedGen C0950123, MeSH D030342.

Submissions (2):

Mayo Clinic Laboratories, Mayo Clinic
Classification: Uncertain significance. Last evaluated: 2025-11-28. Review status: criteria provided, single submitter. Criteria: ACMG Guidelines, 2015. Collection method: clinical testing. Allele origin: germline. Observed: 1 variant allele.
Comment: BP4, PM2_supporting

Ambry Genetics
Classification: Uncertain significance for Inborn genetic diseases. Last evaluated: 2025-04-01. Review status: criteria provided, single submitter. Criteria: Ambry Variant Classification Scheme 2023. Collection method: clinical testing. Allele origin: germline.